The following is an entry in ClinVar:

ClinVar aggregate classification (germline): Benign. Review status: criteria provided, multiple submitters, no conflicts (2 of 4 stars). 13 submissions from 13 submitters: Benign (8). 5 of the submissions do not count toward it. Last evaluated 2026-02-04.

Conditions:
Cardiovascular phenotype. Identifiers: MedGen CN230736.
Cholestanol storage disease (CTX). Also called: CEREBRAL CHOLESTERINOSIS; Cerebrotendinous Xanthomatosis; CTX: Cerebrotendinous xanthomatosis. Identifiers: Orphanet 909, MedGen C0238052, MONDO:0008948, OMIM 213700.

Allele frequency attached by ClinVar (database versions not stated): ExAC 0.02115; gnomAD 0.06494; ESP Exome Variant Server 0.06805; TOPMed 0.07255; 1000 Genomes Project 0.07308; 1000 Genomes Project 30x 0.07808.
gnomAD v4.1: 19,621 of 1,612,716 alleles (1.2%); highest among the groups gnomAD compares: African/African-American, 23%; 2,007 homozygotes.

Submissions (13):

Labcorp Genetics (formerly Invitae), Labcorp
Classification: Benign for Cholestanol storage disease. Last evaluated: 2026-02-04. Review status: criteria provided, single submitter. Criteria: Invitae Variant Classification Sherloc (09022015). Collection method: clinical testing. Allele origin: germline.

Mayo Clinic Laboratories, Mayo Clinic
Classification: Benign. Last evaluated: 2023-04-16. Review status: criteria provided, single submitter. Criteria: ACMG Guidelines, 2015. Collection method: clinical testing. Allele origin: germline. Observed: 125 variant alleles.

Ambry Genetics
Classification: Benign for Cardiovascular phenotype. Last evaluated: 2019-07-05. Review status: criteria provided, single submitter. Criteria: Ambry Variant Classification Scheme 2023. Collection method: clinical testing. Allele origin: germline.

GeneDx
Classification: Benign. Last evaluated: 2018-04-24. Review status: criteria provided, single submitter. Criteria: GeneDx Variant Classification (06012015). Collection method: clinical testing. Allele origin: germline. Affected: yes.
Comment: This variant is considered likely benign or benign based on one or more of the following criteria: it is a conservative change, it occurs at a poorly conserved position in the protein, it is predicted to be benign by multiple in silico algorithms, and/or has population frequency not consistent with disease.

Illumina Laboratory Services, Illumina
Classification: Benign for Cholestanol storage disease. Last evaluated: 2018-01-13. Review status: criteria provided, single submitter. Criteria: ICSL Variant Classification Criteria 13 December 2019. Collection method: clinical testing. Allele origin: germline.
Comment: This variant was observed in the ICSL laboratory as part of a predisposition screen in an ostensibly healthy population. It had not been previously curated by ICSL or reported in the Human Gene Mutation Database (HGMD: prior to June 1st, 2018), and was therefore a candidate for classification through an automated scoring system. Utilizing variant allele frequency, disease prevalence and penetrance estimates, and inheritance mode, an automated score was calculated to assess if this variant is too frequent to cause the disease. Based on the score and internal cut-off values, a variant classified as benign is not then subjected to further curation. The score for this variant resulted in a classification of benign for this disease.

Athena Diagnostics
Classification: Benign. Last evaluated: 2017-06-29. Review status: criteria provided, single submitter. Criteria: Athena Diagnostics Criteria. Collection method: clinical testing. Allele origin: germline.

Breakthrough Genomics
Classification: Benign. Review status: criteria provided, single submitter. Criteria: ACMG Guidelines, 2015. Collection method: not provided. Allele origin: germline. Inheritance: Autosomal recessive inheritance. Affected: yes.

PreventionGenetics, part of Exact Sciences
Classification: Benign. Review status: criteria provided, single submitter. Criteria: ACMG Guidelines, 2015. Collection method: clinical testing. Allele origin: germline.

Natera, Inc.
Classification: Benign for Cerebrotendinous xanthomatosis. Last evaluated: 2020-09-16. Review status: no assertion criteria provided. Collection method: clinical testing. Allele origin: germline. Not counted in ClinVar's aggregate classification.

GeneReviews
Classification: Benign for Cerebrotendinous Xanthomatosis. Last evaluated: 2013-08-01. Review status: no assertion criteria provided. Collection method: curation. Allele origin: unknown. Not counted in ClinVar's aggregate classification.
ClinVar note: Converted during submission from non-pathogenic to Benign.

Clinical Genetics, Academic Medical Center
Classification: Benign. Review status: no assertion criteria provided. Collection method: clinical testing. Allele origin: germline. Affected: yes. Study: VKGL Data-share Consensus. Not counted in ClinVar's aggregate classification.

Joint Genome Diagnostic Labs from Nijmegen and Maastricht, Radboudumc and MUMC+
Classification: Benign. Review status: no assertion criteria provided. Collection method: clinical testing. Allele origin: germline. Affected: yes. Study: VKGL Data-share Consensus. Not counted in ClinVar's aggregate classification.

Laboratory of Diagnostic Genome Analysis, Leiden University Medical Center (LUMC)
Classification: Benign. Review status: no assertion criteria provided. Collection method: clinical testing. Allele origin: germline. Affected: yes. Study: VKGL Data-share Consensus. Not counted in ClinVar's aggregate classification.

Literature cited by the submitters: PubMed 24080357 (cited by Athena Diagnostics).

NM_000784.4(CYP27A1):c.438G>A (p.Pro146=)

Gene: CYP27A1 (cytochrome P450 family 27 subfamily A member 1; plus strand). Cytogenetic location: 2q35.
Variant type: single nucleotide variant.
Coding change: c.438G>A on transcript NM_000784.4 (MANE Select); coding-DNA position 438, G replaced by A.
Protein change: p.Pro146=; no amino-acid change (proline 146 retained).
Molecular consequence: synonymous variant.
Genome position (GRCh38, 1-based): chr2:218,809,759, G>A. VCF-style: chr2-218809759-G-A. GRCh37 (hg19) VCF-style: chr2-219674482-G-A.
Other names: p.Pro146=; c.438G>A.
Identifiers: ClinVar variation 65870 (VCV000065870.27), dbSNP rs692003, ClinGen allele CA345203.